The following is an entry in ClinVar:

ClinVar aggregate classification (germline): Pathogenic/Likely pathogenic. Review status: criteria provided, multiple submitters, no conflicts (2 of 4 stars). 3 submissions from 3 submitters: Pathogenic (2); Likely pathogenic (1). Last evaluated 2024-11-16.

Conditions:
Intellectual developmental disorder, autosomal dominant 50, with behavioral abnormalities. Also called: Intellectual disability, autosomal dominant 50; MENTAL RETARDATION, AUTOSOMAL DOMINANT 50. Identifiers: MedGen C4540470, MONDO:0030916, OMIM 617787.

Submissions (3):

GeneDx
Classification: Likely pathogenic. Last evaluated: 2024-11-16. Review status: criteria provided, single submitter. Criteria: GeneDx Variant Classification Process June 2021. Collection method: clinical testing. Allele origin: germline. Affected: yes.
Comment: Canonical splice site variant expected to result in aberrant splicing, although in the absence of functional evidence the actual effect of this sequence change is unknown.; Not observed in large population cohorts (gnomAD); Has not been previously published as pathogenic or benign to our knowledge

Victorian Clinical Genetics Services, Murdoch Childrens Research Institute
Classification: Pathogenic for Intellectual developmental disorder, autosomal dominant 50, with behavioral abnormalities. Last evaluated: 2023-07-17. Review status: criteria provided, single submitter. Criteria: ACMG Guidelines, 2015. Collection method: clinical testing. Allele origin: germline. Inheritance: Autosomal dominant inheritance. Affected: yes.
Comment: Based on the classification scheme VCGS_Germline_v1.3.4, this variant is classified as Pathogenic. Following criteria are met: 0102 - Loss of function is a known mechanism of disease in this gene and is associated with intellectual developmental disorder 50, with behavioural abnormalities (MIM#617787). (I) 0107 - This gene is associated with autosomal dominant disease. (I) 0211 - Canonical splice site variant without proven consequence on splicing (no functional evidence available). (SP) 0251 - This variant is heterozygous. (I) 0301 - Variant is absent from gnomAD (both v2 and v3). (SP) 0505 - Abnormal splicing is predicted by in silico tools and affected nucleotide is highly conserved. (SP) 0705 - No comparable splice variants have previous evidence for pathogenicity. (I) 0803 - This variant has limited previous evidence of pathogenicity in an unrelated individual. This variant has been reported as likely pathogenic in an individual with developmental delay and autism who inherited the variant from an unaffected parent (ClinVar, GeneDx personal communication). (SP) 0905 - No published segregation evidence has been identified for this variant. (I) 1007 - No published functional evidence has been identified for this variant. (SP) Legend: (SP) - Supporting pathogenic, (I) - Information, (SB) - Supporting benign

Clinical Genetics Service, Universitary Hospital 12 de Octubre
Classification: Pathogenic for Intellectual developmental disorder, autosomal dominant 50, with behavioral abnormalities. Review status: criteria provided, single submitter. Criteria: ACMG Guidelines, 2015. Collection method: clinical testing. Allele origin: germline. Affected: yes.

NM_057175.5(NAA15):c.1539+1G>A

Gene: NAA15 (N-alpha-acetyltransferase 15, NatA auxiliary subunit; plus strand). Cytogenetic location: 4q31.1.
Variant type: single nucleotide variant.
Coding change: c.1539+1G>A on transcript NM_057175.5 (MANE Select); the canonical splice donor site of the intron after coding-DNA position 1539, G replaced by A.
Molecular consequence: splice donor variant.
Genome position (GRCh38, 1-based): chr4:139,360,629, G>A. VCF-style: chr4-139360629-G-A. GRCh37 (hg19) VCF-style: chr4-140281783-G-A.
Other names: c.1539+1G>A (NM_057175.4, NM_001410842.1).
Identifiers: ClinVar variation 1327782 (VCV001327782.5), dbSNP rs2110957137, ClinGen allele CA358267944.
Genomic context (GRCh38, chr4:139,360,629, plus strand): 5'-GCTTATAAAGCAATGAATAAATTTGGTGAAGCACTTAAGAAATGTCATGAGATTGAGAGA[G>A]TAAGTACCTTCTACATAAAAGTTTTCTTGTTTTATTCTGTCGATGGTTTTGGACAAATTT-3'